The following is an entry in ClinVar:

ClinVar aggregate classification (germline): Benign/Likely benign. Review status: criteria provided, multiple submitters, no conflicts (2 of 4 stars). 3 submissions from 3 submitters: Benign (1); Likely benign (2). Last evaluated 2026-01-26.

Conditions:
Saldino-Mainzer syndrome (SRTD9). Also called: short-rib thoracic dysplasia 9 with or without polydactyly; CONORENAL SYNDROME; Renal dysplasia, retinal pigmentary dystrophy, cerebellar ataxia and skeletal dysplasia; SHORT-RIB THORACIC DYSPLASIA 9 WITHOUT POLYDACTYLY. Identifiers: Orphanet 140969, MedGen C1849437, MONDO:0009964, OMIM 266920.

Allele frequency attached by ClinVar (database versions not stated): TOPMed 0.00040; gnomAD 0.00045; 1000 Genomes Project 30x 0.00141; 1000 Genomes Project 0.00180.
gnomAD v4.1: 749 of 1,613,922 alleles (0.046%); highest among the groups gnomAD compares: East Asian, 1.6%; 10 homozygotes.

Submissions (3):

Labcorp Genetics (formerly Invitae), Labcorp
Classification: Benign for Saldino-Mainzer syndrome. Last evaluated: 2026-01-26. Review status: criteria provided, single submitter. Criteria: Invitae Variant Classification Sherloc (09022015). Collection method: clinical testing. Allele origin: germline.

Blueprint Genetics
Classification: Likely benign. Last evaluated: 2024-11-15. Review status: criteria provided, single submitter. Criteria: ACMG Guidelines, 2015. Collection method: clinical testing. Allele origin: germline.

Illumina Laboratory Services, Illumina
Classification: Likely benign for Saldino-Mainzer syndrome. Last evaluated: 2018-01-12. Review status: criteria provided, single submitter. Criteria: ICSL Variant Classification Criteria 13 December 2019. Collection method: clinical testing. Allele origin: germline.
Comment: This variant was observed in the ICSL laboratory as part of a predisposition screen in an ostensibly healthy population. It had not been previously curated by ICSL or reported in the Human Gene Mutation Database (HGMD: prior to June 1st, 2018), and was therefore a candidate for classification through an automated scoring system. Utilizing variant allele frequency, disease prevalence and penetrance estimates, and inheritance mode, an automated score was calculated to assess if this variant is too frequent to cause the disease. Based on the score and internal cut-off values, a variant classified as likely benign is not then subjected to further curation. The score for this variant resulted in a classification of likely benign for this disease.

NM_014714.4(IFT140):c.491+7G>A

Genes: IFT140 (intraflagellar transport 140; minus strand), LOC105371046 (uncharacterized LOC105371046; plus strand). Cytogenetic location: 16p13.3.
Variant type: single nucleotide variant.
Coding change: c.491+7G>A on transcript NM_014714.4 (MANE Select); 7 bases into the intron after coding-DNA position 491, G replaced by A.
Molecular consequence: intron variant.
Genome position (GRCh38, 1-based): chr16:1,592,460, C>T on the plus strand (G>A on the coding strand, the complement: IFT140 is on the minus strand). VCF-style: chr16-1592460-C-T. GRCh37 (hg19) VCF-style: chr16-1642461-C-T.
Identifiers: ClinVar variation 318212 (VCV000318212.14), dbSNP rs187521755, ClinGen allele CA7814685.